The following is an entry in ClinVar:

NM_177438.3(DICER1):c.2823G>C (p.Gln941His)

Gene: DICER1 (dicer 1, ribonuclease III; minus strand). Cytogenetic location: 14q32.13.
Variant type: single nucleotide variant.
Coding change: c.2823G>C on transcript NM_177438.3 (MANE Select); coding-DNA position 2823, G replaced by C.
Protein change: p.Gln941His; replaces glutamine 941 with histidine.
Molecular consequence: missense variant. On other transcripts: non-coding transcript variant (6).
Genome position (GRCh38, 1-based): chr14:95,106,205, C>G on the plus strand (G>C on the coding strand, the complement: DICER1 is on the minus strand). VCF-style: chr14-95106205-C-G. GRCh37 (hg19) VCF-style: chr14-95572542-C-G.
Other names: c.2541G>C, p.Gln847His (NM_001395686.1); c.2418G>C, p.Gln806His (NM_001395687.1, NM_001395690.1, NM_001395688.1 and 2 more transcripts); c.2256G>C, p.Gln752His (NM_001395691.1); c.2823G>C, p.Gln941His (NM_001395692.1, NM_001195573.1, NM_001271282.3 and 12 more transcripts); c.1140G>C, p.Gln380His (NM_001395697.1); short protein forms Q806H, Q380H, Q752H, Q941H, Q847H.
Identifiers: ClinVar variation 3501891 (VCV003501891.1).

ClinVar aggregate classification (germline): Uncertain significance (1 of 4 stars; one submission).

Conditions:
Hereditary cancer-predisposing syndrome. Also called: Tumor predisposition; Neoplastic Syndromes, Hereditary; Hereditary Cancer Syndrome; Hereditary neoplastic syndrome. Identifiers: Orphanet 140162, MedGen C0027672, MeSH D009386, MONDO:0015356.

Submission:

Ambry Genetics
Classification: Uncertain significance for Hereditary cancer-predisposing syndrome. Last evaluated: 2024-08-30. Review status: criteria provided, single submitter. Criteria: Ambry Variant Classification Scheme 2023. Collection method: clinical testing. Allele origin: germline.
Comment: The p.Q941H variant (also known as c.2823G>C), located in coding exon 17 of the DICER1 gene, results from a G to C substitution at nucleotide position 2823. The glutamine at codon 941 is replaced by histidine, an amino acid with highly similar properties. This amino acid position is conserved. In addition, this alteration is predicted to be tolerated by in silico analysis. Based on the available evidence, the clinical significance of this variant remains unclear.